The following is an entry in ClinVar:

ClinVar aggregate classification (germline): Benign/Likely benign. Review status: criteria provided, multiple submitters, no conflicts (2 of 4 stars). 3 submissions from 3 submitters: Benign (2); Likely benign (1). Last evaluated 2026-02-11.

Submissions (3):

Women's Health and Genetics/Laboratory Corporation of America, LabCorp
Classification: Benign. Last evaluated: 2026-02-11. Review status: criteria provided, single submitter. Criteria: LabCorp Variant Classification Summary - May 2015. Collection method: clinical testing. Allele origin: germline.
Comment: Variant summary: NCKAP1L c.2956+15delA alters a nucleotide located at a position not widely known to affect splicing. Consensus agreement among computation tools predict no significant impact on normal splicing. However, these predictions have yet to be confirmed by functional studies. The variant allele was found at a frequency of 0.001 in 249940 control chromosomes, predominantly at a frequency of 0.002 within the Non-Finnish European subpopulation in the gnomAD database, including 1 homozygotes. The observed variant frequency within Non-Finnish European control individuals in the gnomAD database exceeds the estimated maximal expected allele frequency for disease-causing variants in NCKAP1L. To our knowledge, no occurrence of c.2956+15delA in individuals affected with NCKAP1L-related conditions and no experimental evidence demonstrating its impact on protein function have been reported. ClinVar contains an entry for this variant (Variation ID: 1988684). Based on the evidence outlined above, the variant was classified as benign.

Labcorp Genetics (formerly Invitae), Labcorp
Classification: Benign. Last evaluated: 2026-01-08. Review status: criteria provided, single submitter. Criteria: Invitae Variant Classification Sherloc (09022015). Collection method: clinical testing. Allele origin: germline.

Blueprint Genetics
Classification: Likely benign. Last evaluated: 2024-11-21. Review status: criteria provided, single submitter. Criteria: ACMG Guidelines, 2015. Collection method: clinical testing. Allele origin: germline.

NM_005337.5(NCKAP1L):c.2956+15del

Gene: NCKAP1L (NCK associated protein 1 like; plus strand). Cytogenetic location: 12q13.2.
Variant type: Deletion.
Coding change: c.2956+15del on transcript NM_005337.5 (MANE Select); 15 bases into the intron after coding-DNA position 2956, one base deleted (A; older notation c.2956+15delA).
Molecular consequence: intron variant.
Genome position (GRCh38, 1-based): chr12:54,535,212, A deleted; the last of 3 consecutive A bases (chr12:54,535,210-54,535,212); deleting any one gives the same sequence. VCF-style (leftmost placement, unchanged base first): chr12-54535209-GA-G. GRCh37 (hg19) VCF-style: chr12-54928993-GA-G.
Other names: c.2806+15del (NM_001184976.2); c.2956+15delA (NM_005337.5).
Identifiers: ClinVar variation 1988684 (VCV001988684.6), dbSNP rs542854440, ClinGen allele CA6609589.
Genomic context (GRCh38, chr12:54,535,209, plus strand): 5'-TGTGACATTGACCCAGCCTTGGTGGCTGCCATTGCTAATCTGAAAGCTGGTAAGATTGGG[GA>G]AAGGGGGCGAGATTTGGGAAAGGAGGGCTTGGGCCTTATTTTGGGTGAAAAAATGTCAAT-3'